The following is an entry in ClinVar:

ClinVar aggregate classification (germline): Uncertain significance (1 of 4 stars; one submission).

Submission:

GeneDx
Classification: Uncertain significance. Last evaluated: 2020-02-20. Review status: criteria provided, single submitter. Criteria: GeneDx Variant Classification Process June 2021. Collection method: clinical testing. Allele origin: germline. Affected: yes.
Comment: Not observed in large population cohorts (Lek et al., 2016); In silico analysis supports that this missense variant does not alter protein structure/function; Has not been previously published as pathogenic or benign to our knowledge

NM_001243133.2(NLRP3):c.2133T>A (p.His711Gln)

Gene: NLRP3 (NLR family pyrin domain containing 3; plus strand). Cytogenetic location: 1q44.
Variant type: single nucleotide variant.
Coding change: c.2133T>A on transcript NM_001243133.2 (MANE Select); coding-DNA position 2133, T replaced by A.
Protein change: p.His711Gln; replaces histidine 711 with glutamine.
Molecular consequence: missense variant.
Genome position (GRCh38, 1-based): chr1:247,425,582, T>A. VCF-style: chr1-247425582-T-A. GRCh37 (hg19) VCF-style: chr1-247588884-T-A.
Other names: c.2133T>A, p.His711Gln (NM_001079821.3, NM_001127461.3, NM_001127462.3 and 1 more transcripts); c.2139T>A, p.His713Gln (NM_004895.5); short protein forms H711Q, H713Q.
Identifiers: ClinVar variation 1315465 (VCV001315465.2), dbSNP rs2103114172, ClinGen allele CA345558732.